The following is an entry in ClinVar:

ClinVar aggregate classification (germline): Uncertain significance. Review status: criteria provided, multiple submitters, no conflicts (2 of 4 stars). 3 submissions from 3 submitters: Uncertain significance (3). Last evaluated 2026-08-06.

Conditions:
Mucopolysaccharidosis, MPS-III-A (MPS3A). Also called: HEPARAN SULFATE SULFATASE DEFICIENCY; SANFILIPPO SYNDROME A; SULFAMIDASE DEFICIENCY; MPS III A; Mucopolysaccharidosis, type IIIA; MUCOPOLYSACCHARIDOSIS, TYPE IIIA, ATTENUATED. Identifiers: Orphanet 581, Orphanet 79269, MedGen C0086647, MONDO:0009655, OMIM 252900.
Inborn genetic diseases. Identifiers: MedGen C0950123, MeSH D030342.

Allele frequency attached by ClinVar (database versions not stated): ExAC 0.00001; gnomAD exomes 0.00001.
gnomAD v4.1: 9 of 1,612,268 alleles (0.00056%); highest among the groups gnomAD compares: African/African-American, 0.004%; no homozygotes.

Submissions (3):

OLLIN Analises Genomicas, OLLIN
Classification: Uncertain significance for Mucopolysaccharidosis, MPS-III-A. Last evaluated: 2026-08-06. Review status: criteria provided, single submitter. Criteria: ACMG Guidelines 2015 PMID 25741868. Collection method: clinical testing. Allele origin: germline.
Comment: This missense variant, located in exon 3 (of 8), has been reported in ClinVar (accession VCV002146639.3) and in gnomAD with an allele frequency of 0.00056%. However, to our knowledge, it has not been reported in the scientific literature. In silico analysis is inconclusive regarding the impact of this variant. According to the currently available evidence, this variant has been classified as uncertain significance (PM2_P).

Labcorp Genetics (formerly Invitae), Labcorp
Classification: Uncertain significance for Mucopolysaccharidosis, MPS-III-A. Last evaluated: 2024-02-24. Review status: criteria provided, single submitter. Criteria: Invitae Variant Classification Sherloc (09022015). Collection method: clinical testing. Allele origin: germline.
Comment: This sequence change replaces aspartic acid, which is acidic and polar, with asparagine, which is neutral and polar, at codon 102 of the SGSH protein (p.Asp102Asn). This variant is present in population databases (rs781207515, gnomAD 0.003%). This variant has not been reported in the literature in individuals affected with SGSH-related conditions. ClinVar contains an entry for this variant (Variation ID: 2146639). Advanced modeling of protein sequence and biophysical properties (such as structural, functional, and spatial information, amino acid conservation, physicochemical variation, residue mobility, and thermodynamic stability) has been performed at Invitae for this missense variant, however the output from this modeling did not meet the statistical confidence thresholds required to predict the impact of this variant on SGSH protein function. In summary, the available evidence is currently insufficient to determine the role of this variant in disease. Therefore, it has been classified as a Variant of Uncertain Significance.

Ambry Genetics
Classification: Uncertain significance for Inborn genetic diseases. Last evaluated: 2024-02-12. Review status: criteria provided, single submitter. Criteria: Ambry Variant Classification Scheme 2023. Collection method: clinical testing. Allele origin: germline.

NM_000199.5(SGSH):c.304G>A (p.Asp102Asn)

Gene: SGSH (N-sulfoglucosamine sulfohydrolase; minus strand). Cytogenetic location: 17q25.3.
Variant type: single nucleotide variant.
Coding change: c.304G>A on transcript NM_000199.5 (MANE Select); coding-DNA position 304, G replaced by A.
Protein change: p.Asp102Asn; replaces aspartic acid 102 with asparagine.
Molecular consequence: missense variant.
Genome position (GRCh38, 1-based): chr17:80,215,084, C>T on the plus strand (G>A on the coding strand, the complement: SGSH is on the minus strand). VCF-style: chr17-80215084-C-T. GRCh37 (hg19) VCF-style: chr17-78188883-C-T.
Other names: c.304G>A, p.Asp102Asn (NM_001352921.3, NM_001352922.2); c.304G>A (NM_000199.3); short protein forms D102N.
Identifiers: ClinVar variation 2146639 (VCV002146639.4), dbSNP rs781207515, ClinGen allele CA8818091.